The following is an entry in ClinVar:

NM_058216.3(RAD51C):c.948T>C (p.His316=)

Gene: RAD51C (RAD51 paralog C; plus strand). Cytogenetic location: 17q22.
Variant type: single nucleotide variant.
Coding change: c.948T>C on transcript NM_058216.3 (MANE Select); coding-DNA position 948, T replaced by C.
Protein change: p.His316=; no amino-acid change (histidine 316 retained).
Molecular consequence: synonymous variant. On other transcripts: non-coding transcript variant (1).
Genome position (GRCh38, 1-based): chr17:58,724,083, T>C. VCF-style: chr17-58724083-T-C. GRCh37 (hg19) VCF-style: chr17-56801444-T-C.
Identifiers: ClinVar variation 231016 (VCV000231016.23), dbSNP rs773196250, ClinGen allele CA8677365.

ClinVar aggregate classification (germline): Benign/Likely benign. Review status: criteria provided, multiple submitters, no conflicts (2 of 4 stars). 8 submissions from 8 submitters: Benign (2); Likely benign (6). Last evaluated 2025-06-10.

Conditions:
Breast-ovarian cancer, familial, susceptibility to, 3. Also called: RAD51C-Related Breast/Ovarian Cancer. Identifiers: Orphanet 145, MedGen C3150659, MONDO:0013253, OMIM 613399.
Fanconi anemia complementation group O. Also called: RAD51C-Related Fanconi Anemia. Identifiers: Orphanet 84, MedGen C3150653, MONDO:0013248, OMIM 613390.
Hereditary cancer-predisposing syndrome. Also called: Hereditary Cancer Syndrome; Neoplastic Syndromes, Hereditary; Tumor predisposition; Hereditary neoplastic syndrome. Identifiers: Orphanet 140162, MedGen C0027672, MeSH D009386, MONDO:0015356.

Allele frequency attached by ClinVar (database versions not stated): gnomAD exomes below 0.00001 and 0.00002; gnomAD 0.00001; TOPMed 0.00001; ExAC 0.00003.
gnomAD v4.1: 2 of 1,612,992 alleles (0.00012%); highest among the groups gnomAD compares: East Asian, 0.0045%; no homozygotes.

Submissions (8):

Labcorp Genetics (formerly Invitae), Labcorp
Classification: Likely benign for Fanconi anemia complementation group O. Last evaluated: 2025-06-10. Review status: criteria provided, single submitter. Criteria: Invitae Variant Classification Sherloc (09022015). Collection method: clinical testing. Allele origin: germline.

Myriad Genetics, Inc.
Classification: Benign for Breast-ovarian cancer, familial, susceptibility to, 3. Last evaluated: 2025-02-19. Review status: criteria provided, single submitter. Criteria: Myriad Autosomal Dominant, Autosomal Recessive and X-Linked Classification Criteria (2023). Collection method: clinical testing. Allele origin: unknown.
Comment: This variant is considered benign. This variant is a silent/synonymous amino acid change and it is not expected to impact splicing.

Department of Pathology and Laboratory Medicine, Sinai Health System
Classification: Likely benign for Fanconi anemia complementation group O; Breast-ovarian cancer, familial, susceptibility to, 3. Last evaluated: 2022-07-22. Review status: criteria provided, single submitter. Criteria: ACMG Guidelines, 2015. Collection method: clinical testing. Allele origin: germline. Affected: no.

Sema4
Classification: Likely benign for Hereditary cancer-predisposing syndrome. Last evaluated: 2021-08-04. Review status: criteria provided, single submitter. Criteria: Sema4 Curation Guidelines. Collection method: curation. Allele origin: germline.

Women's Health and Genetics/Laboratory Corporation of America, LabCorp
Classification: Likely benign. Last evaluated: 2019-08-29. Review status: criteria provided, single submitter. Criteria: LabCorp Variant Classification Summary - May 2015. Collection method: clinical testing. Allele origin: germline.

Color Diagnostics, LLC DBA Color Health
Classification: Likely benign for Hereditary cancer-predisposing syndrome. Last evaluated: 2017-01-15. Review status: criteria provided, single submitter. Criteria: ACMG Guidelines, 2015. Collection method: clinical testing. Allele origin: germline.

GeneDx
Classification: Benign. Last evaluated: 2015-08-13. Review status: criteria provided, single submitter. Criteria: GeneDx Variant Classification (06012015). Collection method: clinical testing. Allele origin: germline. Affected: yes.
Comment: This variant is considered likely benign or benign based on one or more of the following criteria: it is a conservative change, it occurs at a poorly conserved position in the protein, it is predicted to be benign by multiple in silico algorithms, and/or has population frequency not consistent with disease.

Ambry Genetics
Classification: Likely benign for Hereditary cancer-predisposing syndrome. Last evaluated: 2015-03-28. Review status: criteria provided, single submitter. Criteria: Ambry Variant Classification Scheme 2023. Collection method: clinical testing. Allele origin: germline.